The following is an entry in ClinVar:

ClinVar aggregate classification (germline): Uncertain significance (1 of 4 stars; one submission).

Submission:

GeneDx
Classification: Uncertain significance. Last evaluated: 2026-02-26. Review status: criteria provided, single submitter. Criteria: GeneDx Variant Classification Process June 2021. Collection method: clinical testing. Allele origin: germline.
Comment: Not observed at significant frequency in large population cohorts (gnomAD); In silico analysis supports that this missense variant has a deleterious effect on protein structure/function; Has not been previously published as pathogenic or benign to our knowledge

NM_001287491.2(TET3):c.3479G>A (p.Arg1160His)

Gene: TET3 (tet methylcytosine dioxygenase 3; plus strand). Cytogenetic location: 2p13.1.
Variant type: single nucleotide variant.
Coding change: c.3479G>A on transcript NM_001287491.2 (MANE Select); coding-DNA position 3479, G replaced by A.
Protein change: p.Arg1160His; replaces arginine 1160 with histidine.
Molecular consequence: missense variant.
Genome position (GRCh38, 1-based): chr2:74,099,487, G>A. VCF-style: chr2-74099487-G-A. GRCh37 (hg19) VCF-style: chr2-74326614-G-A.
Other names: c.3200G>A, p.Arg1067His (NM_001366022.1); short protein forms R1067H, R1160H.
Identifiers: ClinVar variation 5009873 (VCV005009873.1).